The following is an entry in ClinVar:

ClinVar aggregate classification (germline): Uncertain significance. Review status: criteria provided, multiple submitters, no conflicts (2 of 4 stars). 6 submissions from 4 submitters: Uncertain significance (6). Last evaluated 2025-08-25.

Conditions:
Inborn genetic diseases. Identifiers: MedGen C0950123, MeSH D030342.
Hereditary spastic paraplegia 11. Also called: SPASTIC PARAPLEGIA, AUTOSOMAL RECESSIVE, COMPLICATED, WITH THIN CORPUS CALLOSUM; SPASTIC PARAPLEGIA, AUTOSOMAL RECESSIVE, WITH MENTAL IMPAIRMENT AND THIN CORPUS CALLOSUM; Nakamura Osame syndrome; Autosomal recessive hereditary spastic paraplegia, mental impairment, and thin corpus callosum; Spastic paraplegia, mental retardation and thin corpus callosum; Spastic Paraplegia 11. Identifiers: Orphanet 2822, MedGen C1858479, MONDO:0011445, OMIM 604360.
Charcot-Marie-Tooth disease axonal type 2X. Also called: CHARCOT-MARIE-TOOTH DISEASE, AXONAL, AUTOSOMAL RECESSIVE, TYPE 2X; CHARCOT-MARIE-TOOTH NEUROPATHY, TYPE 2X. Identifiers: Orphanet 466775, MedGen C5569024, MONDO:0014726, OMIM 616668.
Amyotrophic lateral sclerosis type 5 (ALS5). Also called: AMYOTROPHIC LATERAL SCLEROSIS 5, JUVENILE. Identifiers: Orphanet 300605, MedGen C1865864, MONDO:0011196, OMIM 602099.

Allele frequency attached by ClinVar (database versions not stated): ExAC 0.00002; gnomAD 0.00002; gnomAD exomes 0.00004 and 0.00010; TOPMed 0.00006; ESP Exome Variant Server 0.00008.
gnomAD v4.1: 145 of 1,613,814 alleles (0.009%); highest among the groups gnomAD compares: Non-Finnish European, 0.012%; no homozygotes.

Submissions (6):

Ambry Genetics
Classification: Uncertain significance for Inborn genetic diseases. Last evaluated: 2025-08-25. Review status: criteria provided, single submitter. Criteria: Ambry Variant Classification Scheme 2023. Collection method: clinical testing. Allele origin: germline.

Labcorp Genetics (formerly Invitae), Labcorp
Classification: Uncertain significance for Hereditary spastic paraplegia 11. Last evaluated: 2022-08-15. Review status: criteria provided, single submitter. Criteria: Invitae Variant Classification Sherloc (09022015). Collection method: clinical testing. Allele origin: germline.
Comment: This sequence change replaces proline, which is neutral and non-polar, with leucine, which is neutral and non-polar, at codon 1032 of the SPG11 protein (p.Pro1032Leu). This variant is present in population databases (rs141106870, gnomAD 0.007%). This variant has not been reported in the literature in individuals affected with SPG11-related conditions. ClinVar contains an entry for this variant (Variation ID: 466518). Algorithms developed to predict the effect of missense changes on protein structure and function (SIFT, PolyPhen-2, Align-GVGD) all suggest that this variant is likely to be disruptive. In summary, the available evidence is currently insufficient to determine the role of this variant in disease. Therefore, it has been classified as a Variant of Uncertain Significance.

Illumina Laboratory Services, Illumina
Classification: Uncertain significance for Hereditary spastic paraplegia 11. Last evaluated: 2018-01-12. Review status: criteria provided, single submitter. Criteria: ICSL Variant Classification Criteria 13 December 2019. Collection method: clinical testing. Allele origin: germline.

Genome-Nilou Lab
Classification: Uncertain significance for Amyotrophic lateral sclerosis type 5. Review status: criteria provided, single submitter. Criteria: ACMG Guidelines, 2015. Collection method: clinical testing. Allele origin: germline.

Genome-Nilou Lab
Classification: Uncertain significance for Charcot-Marie-Tooth disease axonal type 2X. Review status: criteria provided, single submitter. Criteria: ACMG Guidelines, 2015. Collection method: clinical testing. Allele origin: germline.

Genome-Nilou Lab
Classification: Uncertain significance for Hereditary spastic paraplegia 11. Review status: criteria provided, single submitter. Criteria: ACMG Guidelines, 2015. Collection method: clinical testing. Allele origin: germline.

NM_025137.4(SPG11):c.3095C>T (p.Pro1032Leu)

Gene: SPG11 (SPG11 vesicle trafficking associated, spatacsin; minus strand). Cytogenetic location: 15q21.1.
Variant type: single nucleotide variant.
Coding change: c.3095C>T on transcript NM_025137.4 (MANE Select); coding-DNA position 3095, C replaced by T.
Protein change: p.Pro1032Leu; replaces proline 1032 with leucine.
Molecular consequence: missense variant.
Genome position (GRCh38, 1-based): chr15:44,613,480, G>A on the plus strand (C>T on the coding strand, the complement: SPG11 is on the minus strand). VCF-style: chr15-44613480-G-A. GRCh37 (hg19) VCF-style: chr15-44905678-G-A.
Other names: c.3095C>T, p.Pro1032Leu (NM_001160227.2); short protein forms P1032L.
Identifiers: ClinVar variation 466518 (VCV000466518.16), dbSNP rs141106870, ClinGen allele CA7535064.